The following is an entry in ClinVar:

NM_177438.3(DICER1):c.3649T>A (p.Tyr1217Asn)

Gene: DICER1 (dicer 1, ribonuclease III; minus strand). Cytogenetic location: 14q32.13.
Variant type: single nucleotide variant.
Coding change: c.3649T>A on transcript NM_177438.3 (MANE Select); coding-DNA position 3649, T replaced by A.
Protein change: p.Tyr1217Asn; replaces tyrosine 1217 with asparagine.
Molecular consequence: missense variant.
Genome position (GRCh38, 1-based): chr14:95,103,747, A>T on the plus strand (T>A on the coding strand, the complement: DICER1 is on the minus strand). VCF-style: chr14-95103747-A-T. GRCh37 (hg19) VCF-style: chr14-95570084-A-T.
Other names: c.3649T>A, p.Tyr1217Asn (NM_001195573.1, NM_001271282.3, NM_001291628.2 and 1 more transcripts); short protein forms Y1217N.
Identifiers: ClinVar variation 933021 (VCV000933021.4), dbSNP rs1891127892, ClinGen allele CA390874542.

ClinVar aggregate classification (germline): Likely benign. Review status: criteria provided, multiple submitters, no conflicts (2 of 4 stars). 2 submissions from 2 submitters: Likely benign (2). Last evaluated 2025-01-24.

Conditions:
DICER1-related tumor predisposition. Also called: DICER1-related pleuropulmonary blastoma cancer predisposition syndrome; DICER1 syndrome. Identifiers: Orphanet 284343, MedGen C3839822, MONDO:0100216.

Submissions (2):

Department of Clinical Genetics, Copenhagen University Hospital, Rigshospitalet
Classification: Likely benign for DICER1-related tumor predisposition. Last evaluated: 2025-01-24. Review status: criteria provided, single submitter. Criteria: ACMG Guidelines, 2015. Collection method: clinical testing. Allele origin: germline.
Comment: The following ACMG criteria have been used in classification: PM2_SUP; BP2; BP4

Foulkes Cancer Genetics LDI, Lady Davis Institute for Medical Research
Classification: Likely benign. Last evaluated: 2019-07-01. Review status: criteria provided, single submitter. Criteria: ACMG Guidelines, 2015. Collection method: curation. Allele origin: germline. Affected: yes and no. Observed: 4 variant alleles.
Comment: ACMG criteria met: BS3, BP1, BP2

Literature cited by the submitters: PubMed 24708902 (cited by Department of Clinical Genetics, Copenhagen University Hospital, Rigshospitalet and Foulkes Cancer Genetics LDI, Lady Davis Institute for Medical Research).